The following is an entry in ClinVar:

ClinVar aggregate classification (germline): Uncertain significance (1 of 4 stars; one submission).

Submission:

Labcorp Genetics (formerly Invitae), Labcorp
Classification: Uncertain significance. Last evaluated: 2025-08-19. Review status: criteria provided, single submitter. Criteria: Invitae Variant Classification Sherloc (09022015). Collection method: clinical testing. Allele origin: germline.
Comment: This sequence change replaces glutamic acid, which is acidic and polar, with lysine, which is basic and polar, at codon 290 of the GCGR protein (p.Glu290Lys). This variant is present in population databases (rs200674527, gnomAD 0.06%). This variant has not been reported in the literature in individuals affected with GCGR-related conditions. ClinVar contains an entry for this variant (Variation ID: 3693839). An algorithm developed to predict the effect of missense changes on protein structure and function (PolyPhen-2) suggests that this variant is likely to be disruptive. In summary, the available evidence is currently insufficient to determine the role of this variant in disease. Therefore, it has been classified as a Variant of Uncertain Significance.

NM_000160.5(GCGR):c.868G>A (p.Glu290Lys)

Gene: GCGR (glucagon receptor; plus strand). Cytogenetic location: 17q25.3.
Variant type: single nucleotide variant.
Coding change: c.868G>A on transcript NM_000160.5 (MANE Select); coding-DNA position 868, G replaced by A.
Protein change: p.Glu290Lys; replaces glutamic acid 290 with lysine.
Molecular consequence: missense variant.
Genome position (GRCh38, 1-based): chr17:81,811,936, G>A. VCF-style: chr17-81811936-G-A. GRCh37 (hg19) VCF-style: chr17-79769812-G-A.
Other names: short protein forms E290K.
Identifiers: ClinVar variation 3693839 (VCV003693839.2).